The following is an entry in ClinVar:

NM_001854.4(COL11A1):c.3492+1_3492+3del

Gene: COL11A1 (collagen type XI alpha 1 chain; minus strand). Cytogenetic location: 1p21.1.
Variant type: Deletion.
Coding change: c.3492+1_3492+3del on transcript NM_001854.4 (MANE Select); the canonical splice donor site of the intron after coding-DNA position 3492 through 3 bases into the intron after coding-DNA position 3492, 3 bases deleted (GTG; older notation c.3492+1_3492+3delGTG).
Molecular consequence: splice donor variant.
Genome position (GRCh38, 1-based): chr1:102,935,057-102,935,059, CAC deleted on the plus strand (GTG on the coding strand, the reverse complement: COL11A1 is on the minus strand). VCF-style (leftmost placement, unchanged base first): chr1-102935056-TCAC-T. GRCh37 (hg19) VCF-style: chr1-103400612-TCAC-T.
Other names: c.3375+1_3375+3del (NM_001190709.2); c.3528+1_3528+3del (NM_080629.3); c.3144+1_3144+3del (NM_080630.4).
Identifiers: ClinVar variation 2630884 (VCV002630884.1), dbSNP rs2524694574, ClinGen allele CA2695198079.

ClinVar aggregate classification (germline): Likely pathogenic (1 of 4 stars; one submission).

Conditions:
COL11A1-related disorder. Also called: COL11A1-related condition; COL11A1-related disorders.

Submission:

PreventionGenetics, part of Exact Sciences
Classification: Likely pathogenic for COL11A1-related condition. Last evaluated: 2023-09-20. Review status: criteria provided, single submitter. Criteria: ACMG Guidelines, 2015. Collection method: clinical testing. Allele origin: germline.
Comment: The COL11A1 c.3492+1_3492+3delGTG variant is predicted to result in a deletion affecting a canonical splice site. This variant is predicted to eliminate the canonical splice donor site. To our knowledge, this variant has not been reported in the literature or in a large population database, indicating this variant is rare. Variants that disrupt the consensus splice donor site in COL11A1 are expected to be pathogenic. This variant is interpreted as likely pathogenic.